The following is an entry in ClinVar:

ClinVar aggregate classification (germline): Uncertain significance. Review status: criteria provided, multiple submitters, no conflicts (2 of 4 stars). 2 submissions from 2 submitters: Uncertain significance (2). Last evaluated 2025-02-11.

Conditions:
Familial thoracic aortic aneurysm and aortic dissection (TAAD). Also called: Thoracic aortic aneurysms and dissections. Identifiers: Orphanet 91387, MedGen C4707243, MONDO:0019625.

Submissions (2):

GeneDx
Classification: Uncertain significance. Last evaluated: 2025-02-11. Review status: criteria provided, single submitter. Criteria: GeneDx Variant Classification Process June 2021. Collection method: clinical testing. Allele origin: germline. Affected: yes.
Comment: Has not been previously published as pathogenic or benign to our knowledge; Not observed at significant frequency in large population cohorts (gnomAD); In-frame deletion of 1 amino acid in a non-repeat region; In silico analysis supports a deleterious effect on protein structure/function

Labcorp Genetics (formerly Invitae), Labcorp
Classification: Uncertain significance for Familial thoracic aortic aneurysm and aortic dissection. Last evaluated: 2024-07-16. Review status: criteria provided, single submitter. Criteria: Invitae Variant Classification Sherloc (09022015). Collection method: clinical testing. Allele origin: germline.
Comment: This variant, c.712_714del, results in the deletion of 1 amino acid(s) of the SMAD3 protein (p.Tyr238del), but otherwise preserves the integrity of the reading frame. This variant is not present in population databases (gnomAD no frequency). This variant has been observed in individual(s) with Loeys-Dietz syndrome (Invitae). It has also been observed to segregate with disease in related individuals. ClinVar contains an entry for this variant (Variation ID: 213785). Experimental studies and prediction algorithms are not available or were not evaluated, and the functional significance of this variant is currently unknown. In summary, the available evidence is currently insufficient to determine the role of this variant in disease. Therefore, it has been classified as a Variant of Uncertain Significance.

NM_005902.4(SMAD3):c.709TAC[1] (p.Tyr238del)

Gene: SMAD3 (SMAD family member 3; plus strand). Cytogenetic location: 15q22.33.
Variant type: Microsatellite.
Coding change: c.709TAC[1] on transcript NM_005902.4 (MANE Select); one copy of the 3-base unit TAC starting at c.709; the reference has two copies in a row; one copy, 3 bases deleted; also written c.712_714del.
Protein change: p.Tyr238del; deletes tyrosine 238.
Molecular consequence: inframe deletion.
Genome position (GRCh38, 1-based): chr15:67,181,294-67,181,296, TAC deleted; deleting any 3 consecutive bases within chr15:67,181,290-67,181,296 gives the same sequence; the position shown is the placement nearest the transcript's 3' end. VCF-style (leftmost placement, unchanged base first): chr15-67181289-CCTA-C. GRCh37 (hg19) VCF-style: chr15-67473627-CCTA-C.
Other names: c.712_714del (NM_005902.3); c.712_714delTAC (NM_005902.3); c.394TAC[1], p.Tyr133del (NM_001145102.2); c.577TAC[1], p.Tyr194del (NM_001145103.2); c.124TAC[1], p.Tyr43del (NM_001145104.2); short protein forms Y238del, Y43del, Y133del, Y194del.
Identifiers: ClinVar variation 213785 (VCV000213785.7), dbSNP rs863223752, ClinGen allele CA323607.
Genomic context (GRCh38, chr15:67,181,289, plus strand): 5'-CTGTGTCCACAGACCTGCAGCCAGTTACCTACTGCGAGCCGGCCTTCTGGTGCTCCATCT[CCTA>C]CTACGAGCTGAACCAGCGCGTCGGGGAGACATTCCACGCCTCGCAGCCATCCATGACTGT-3'